The following is an entry in ClinVar:

NM_052867.4(NALCN):c.3058G>T (p.Val1020Phe)

Gene: NALCN (sodium leak channel, non-selective; minus strand). Cytogenetic location: 13q33.1.
Variant type: single nucleotide variant.
Coding change: c.3058G>T on transcript NM_052867.4 (MANE Select); coding-DNA position 3058, G replaced by T.
Protein change: p.Val1020Phe; replaces valine 1020 with phenylalanine.
Molecular consequence: missense variant.
Genome position (GRCh38, 1-based): chr13:101,100,888, C>A on the plus strand (G>T on the coding strand, the complement: NALCN is on the minus strand). VCF-style: chr13-101100888-C-A. GRCh37 (hg19) VCF-style: chr13-101753239-C-A.
Other names: c.3145G>T, p.Val1049Phe (NM_001350748.2); c.3058G>T, p.Val1020Phe (NM_001350749.2); c.2971G>T, p.Val991Phe (NM_001350750.2, NM_001350751.2); short protein forms V1020F, V1049F, V991F.
Identifiers: ClinVar variation 2662979 (VCV002662979.1), dbSNP rs2139597781, ClinGen allele CA388654919.

ClinVar aggregate classification (germline): Pathogenic (1 of 4 stars; one submission).

Submission:

GeneDx
Classification: Pathogenic. Last evaluated: 2023-10-28. Review status: criteria provided, single submitter. Criteria: GeneDx Variant Classification Process June 2021. Collection method: clinical testing. Allele origin: germline. Affected: yes.
Comment: In silico analysis supports that this missense variant has a deleterious effect on protein structure/function; Not observed in large population cohorts (gnomAD); This variant is associated with the following publications: (PMID: 26763878, 30842224)